The following is an entry in ClinVar:

ClinVar aggregate classification (germline): Uncertain significance. Review status: criteria provided, multiple submitters, no conflicts (2 of 4 stars). 2 submissions from 2 submitters: Uncertain significance (2). Last evaluated 2025-10-21.

Conditions:
5-Oxoprolinase deficiency (OPLAHD). Also called: 5-OXOPROLINURIA DUE TO 5-OXOPROLINASE DEFICIENCY. Identifiers: Orphanet 33572, MedGen C0268525, MONDO:0009825, OMIM 260005, HP:0040142.

Allele frequency attached by ClinVar (database versions not stated): TOPMed 0.00002.

Submissions (2):

Ambry Genetics
Classification: Uncertain significance. Last evaluated: 2025-10-21. Review status: criteria provided, single submitter. Criteria: Ambry Variant Classification Scheme 2023. Collection method: clinical testing. Allele origin: germline.

Labcorp Genetics (formerly Invitae), Labcorp
Classification: Uncertain significance for 5-Oxoprolinase deficiency. Last evaluated: 2022-06-04. Review status: criteria provided, single submitter. Criteria: Invitae Variant Classification Sherloc (09022015). Collection method: clinical testing. Allele origin: germline.
Comment: In summary, the available evidence is currently insufficient to determine the role of this variant in disease. Therefore, it has been classified as a Variant of Uncertain Significance. Experimental studies and prediction algorithms are not available or were not evaluated, and the functional significance of this variant is currently unknown. This variant has not been reported in the literature in individuals affected with OPLAH-related conditions. This variant is not present in population databases (gnomAD no frequency). This sequence change replaces tyrosine, which is neutral and polar, with histidine, which is basic and polar, at codon 240 of the OPLAH protein (p.Tyr240His).

NM_017570.5(OPLAH):c.718T>C (p.Tyr240His)

Gene: OPLAH (5-oxoprolinase, ATP-hydrolysing; minus strand). Cytogenetic location: 8q24.3.
Variant type: single nucleotide variant.
Coding change: c.718T>C on transcript NM_017570.5 (MANE Select); coding-DNA position 718, T replaced by C.
Protein change: p.Tyr240His; replaces tyrosine 240 with histidine.
Molecular consequence: missense variant.
Genome position (GRCh38, 1-based): chr8:144,058,561, A>G on the plus strand (T>C on the coding strand, the complement: OPLAH is on the minus strand). VCF-style: chr8-144058561-A-G. GRCh37 (hg19) VCF-style: chr8-145113464-A-G.
Other names: c.718T>C (NM_017570.3); short protein forms Y240H.
Identifiers: ClinVar variation 1951425 (VCV001951425.6), dbSNP rs1835587881, ClinGen allele CA372570791.